The following is an entry in ClinVar:

ClinVar aggregate classification (germline): Uncertain significance (1 of 4 stars; one submission).

Conditions:
Cornelia de Lange syndrome 1 (CDLS1). Also called: NIPBL-Related Cornelia de Lange Syndrome; Brachmann de Lange syndrome; TYPUS DEGENERATIVUS AMSTELODAMENSIS. Identifiers: Orphanet 199, MedGen C4551851, MONDO:0007387, OMIM 122470.

Allele frequency attached by ClinVar (database versions not stated): gnomAD exomes below 0.00001.
gnomAD v4.1: 1 of 1,614,080 alleles (0.000062%); highest among the groups gnomAD compares: Non-Finnish European, 0.000085%; no homozygotes.

Submission:

Labcorp Genetics (formerly Invitae), Labcorp
Classification: Uncertain significance for Cornelia de Lange syndrome 1. Last evaluated: 2023-06-16. Review status: criteria provided, single submitter. Criteria: Invitae Variant Classification Sherloc (09022015). Collection method: clinical testing. Allele origin: germline.
Comment: In summary, the available evidence is currently insufficient to determine the role of this variant in disease. Therefore, it has been classified as a Variant of Uncertain Significance. Advanced modeling of protein sequence and biophysical properties (such as structural, functional, and spatial information, amino acid conservation, physicochemical variation, residue mobility, and thermodynamic stability) has been performed at Invitae for this missense variant, however the output from this modeling did not meet the statistical confidence thresholds required to predict the impact of this variant on NIPBL protein function. This variant has not been reported in the literature in individuals affected with NIPBL-related conditions. This variant is present in population databases (no rsID available, gnomAD 0.0009%). This sequence change replaces valine, which is neutral and non-polar, with isoleucine, which is neutral and non-polar, at codon 2379 of the NIPBL protein (p.Val2379Ile).

NM_133433.4(NIPBL):c.7135G>A (p.Val2379Ile)

Gene: NIPBL (NIPBL cohesin loading factor; plus strand). Cytogenetic location: 5p13.2.
Variant type: single nucleotide variant.
Coding change: c.7135G>A on transcript NM_133433.4 (MANE Select); coding-DNA position 7135, G replaced by A.
Protein change: p.Val2379Ile; replaces valine 2379 with isoleucine.
Molecular consequence: missense variant.
Genome position (GRCh38, 1-based): chr5:37,052,438, G>A. VCF-style: chr5-37052438-G-A. GRCh37 (hg19) VCF-style: chr5-37052540-G-A.
Other names: c.7135G>A, p.Val2379Ile (NM_015384.5); short protein forms V2379I.
Identifiers: ClinVar variation 2980197 (VCV002980197.3), dbSNP rs1210670441, ClinGen allele CA359511377.